The following is an entry in ClinVar:

ClinVar aggregate classification (germline): Likely pathogenic (1 of 4 stars; one submission).

Conditions:
Joubert syndrome and related disorders. Identifiers: Orphanet 140874, MedGen C5679612, MONDO:0015369.

Submission:

Women's Health and Genetics/Laboratory Corporation of America, LabCorp
Classification: Likely pathogenic for Joubert syndrome and related disorders. Last evaluated: 2022-10-24. Review status: criteria provided, single submitter. Criteria: LabCorp Variant Classification Summary - May 2015. Collection method: clinical testing. Allele origin: germline.
Comment: Variant summary: ARL13B c.246delG (p.Trp82X) results in a premature termination codon, predicted to cause a truncation of the encoded protein or absence of the protein due to nonsense mediated decay, which are commonly known mechanisms for disease. Truncations downstream of this position have been classified as pathogenic by our laboratory. The variant was absent in 251214 control chromosomes (gnomAD). To our knowledge, no occurrence of c.246delG in individuals affected with Joubert Syndrome And Related Disorders has been reported. However, a different variant causing the same amino acid effect (c.246G>A, p.Trp82X) has been reported in the literature in individuals affected with Joubert Syndrome (PMIDs: 18674751, 26092869). Experimental evidence demonstrated p.Trp82X affects protein function (e.g. Higginbotham_2012, Li_2016, Guo_2019). No clinical diagnostic laboratories have submitted clinical-significance assessments for this variant to ClinVar after 2014. Based on the evidence outlined above, the variant was classified as likely pathogenic.

Literature cited by the submitters: PubMed 31846650; PubMed 23153492; PubMed 27153923.

NM_001174150.2(ARL13B):c.246del (p.Ile81_Trp82insTer)

Gene: ARL13B (ARF like GTPase 13B; plus strand). Cytogenetic location: 3q11.2.
Variant type: Deletion.
Coding change: c.246del on transcript NM_001174150.2 (MANE Select); coding-DNA position 246, one base deleted (G; older notation c.246delG).
Protein change: p.Ile81_Trp82insTer.
Molecular consequence: nonsense. On other transcripts: 5 prime UTR variant (1), frameshift variant (1), intron variant (1).
Genome position (GRCh38, 1-based): chr3:94,003,774, G deleted; the last of 2 consecutive G bases (chr3:94,003,773-94,003,774); deleting either gives the same sequence. VCF-style (leftmost placement, unchanged base first): chr3-94003772-TG-T. GRCh37 (hg19) VCF-style: chr3-93722616-TG-T.
Other names: c.-64del (NM_001174151.2); c.201del, p.Ile66_Trp67insTer (NM_001321328.2); c.246delG, p.Trp82Terfs (NM_001410782.1); c.246del, p.Ile81_Trp82insTer (NM_182896.3); c.59+23292del (NM_144996.4).
Identifiers: ClinVar variation 1723383 (VCV001723383.1), dbSNP rs2471955328, ClinGen allele CA2580070631.